The following is an entry in ClinVar:

ClinVar aggregate classification (germline): Uncertain significance. Review status: criteria provided, multiple submitters, no conflicts (2 of 4 stars). 3 submissions from 3 submitters: Uncertain significance (3). Last evaluated 2025-02-08.

Conditions:
Inborn genetic diseases. Identifiers: MedGen C0950123, MeSH D030342.
Muscular dystrophy-dystroglycanopathy (congenital with brain and eye anomalies), type A14. Also called: Congenital Muscular Dystrophy-Dystroglycanopathy with Brain and Eye Anomalies Type A 14; Congenital muscular dystrophy-dystroglycanopathy with brain and eye anomalies, type A14; Muscular dystrophy-dystroglycanopathy (congenital with brain and eye anomalies), type a, 14; WALKER-WARBURG SYNDROME OR MUSCLE-EYE-BRAIN DISEASE, GMPPB-RELATED. Identifiers: Orphanet 588, MedGen C3809216, MONDO:0014140, OMIM 615350.
Muscular dystrophy-dystroglycanopathy (congenital with impaired intellectual development), type B, 14. Also called: Congenital muscular dystrophy-dystroglycanopathy with mental retardation, type B14; MUSCULAR DYSTROPHY, CONGENITAL, GMPPB-RELATED; Muscular dystrophy-dystroglycanopathy (congenital with intellectual disability), type B14. Identifiers: MedGen C3809221, MONDO:0014141, OMIM 615351.
Autosomal recessive limb-girdle muscular dystrophy type 2T. Also called: Limb-girdle muscular dystrophy-dystroglycanopathy, type C14; Muscular dystrophy-dystroglycanopathy (limb-girdle), type c, 14; MUSCULAR DYSTROPHY-DYSTROGLYCANOPATHY, LIMB-GIRDLE, GMPPB-RELATED; MUSCULAR DYSTROPHY, LIMB-GIRDLE, TYPE 2T. Identifiers: Orphanet 363623, MedGen C4518000, MONDO:0014142, OMIM 615352.

Allele frequency attached by ClinVar (database versions not stated): gnomAD exomes 0.00002; gnomAD 0.00009 and 0.00011; ExAC 0.00002; TOPMed 0.00009.
gnomAD v4.1: 29 of 1,613,846 alleles (0.0018%); highest among the groups gnomAD compares: African/African-American, 0.025%; no homozygotes.

Submissions (3):

Ambry Genetics
Classification: Uncertain significance for Inborn genetic diseases. Last evaluated: 2025-02-08. Review status: criteria provided, single submitter. Criteria: Ambry Variant Classification Scheme 2023. Collection method: clinical testing. Allele origin: germline.

Labcorp Genetics (formerly Invitae), Labcorp
Classification: Uncertain significance for Autosomal recessive limb-girdle muscular dystrophy type 2T; Muscular dystrophy-dystroglycanopathy (congenital with brain and eye anomalies), type A14; Muscular dystrophy-dystroglycanopathy (congenital with impaired intellectual development), type B, 14. Last evaluated: 2022-06-27. Review status: criteria provided, single submitter. Criteria: Invitae Variant Classification Sherloc (09022015). Collection method: clinical testing. Allele origin: germline.
Comment: This sequence change replaces arginine, which is basic and polar, with histidine, which is basic and polar, at codon 319 of the GMPPB protein (p.Arg319His). This variant is present in population databases (rs768327938, gnomAD 0.03%). This variant has not been reported in the literature in individuals affected with GMPPB-related conditions. ClinVar contains an entry for this variant (Variation ID: 541079). Algorithms developed to predict the effect of missense changes on protein structure and function are either unavailable or do not agree on the potential impact of this missense change (SIFT: "Deleterious"; PolyPhen-2: "Probably Damaging"; Align-GVGD: "Class C0"). This variant disrupts the p.Arg319 amino acid residue in GMPPB. Other variant(s) that disrupt this residue have been observed in individuals with GMPPB-related conditions (PMID: 25681410, 33756069), which suggests that this may be a clinically significant amino acid residue. In summary, the available evidence is currently insufficient to determine the role of this variant in disease. Therefore, it has been classified as a Variant of Uncertain Significance.

Revvity Omics, Revvity
Classification: Uncertain significance. Last evaluated: 2019-06-21. Review status: criteria provided, single submitter. Criteria: ACMG Guidelines, 2015. Collection method: clinical testing. Allele origin: germline.

Literature cited by the submitters: PubMed 25681410 (cited by Labcorp Genetics (formerly Invitae), Labcorp); PubMed 33756069 (cited by Labcorp Genetics (formerly Invitae), Labcorp).

NM_021971.4(GMPPB):c.956G>A (p.Arg319His)

Gene: GMPPB (GDP-mannose pyrophosphorylase B; minus strand). Cytogenetic location: 3p21.31.
Variant type: single nucleotide variant.
Coding change: c.956G>A on transcript NM_021971.4 (MANE Select); coding-DNA position 956, G replaced by A.
Protein change: p.Arg319His; replaces arginine 319 with histidine.
Molecular consequence: missense variant.
Genome position (GRCh38, 1-based): chr3:49,721,879, C>T on the plus strand (G>A on the coding strand, the complement: GMPPB is on the minus strand). VCF-style: chr3-49721879-C-T. GRCh37 (hg19) VCF-style: chr3-49759312-C-T.
Other names: c.1037G>A, p.Arg346His (NM_013334.4); c.1037G>A (NM_013334.3, NM_013334.2); short protein forms R319H, R346H.
Identifiers: ClinVar variation 541079 (VCV000541079.6), dbSNP rs768327938, ClinGen allele CA2405376.